The following is an entry in ClinVar:

ClinVar aggregate classification (germline): Uncertain significance (1 of 4 stars; one submission).

Conditions:
Hereditary nonpolyposis colorectal neoplasms. Identifiers: MedGen C0009405, MeSH D003123.

gnomAD v4.1: 1 of 1,611,944 alleles (0.000062%); highest among the groups gnomAD compares: South Asian, 0.0011%; no homozygotes.

Submission:

Labcorp Genetics (formerly Invitae), Labcorp
Classification: Uncertain significance for Hereditary nonpolyposis colorectal neoplasms. Last evaluated: 2023-05-23. Review status: criteria provided, single submitter. Criteria: Invitae Variant Classification Sherloc (09022015). Collection method: clinical testing. Allele origin: germline.
Comment: In summary, the available evidence is currently insufficient to determine the role of this variant in disease. Therefore, it has been classified as a Variant of Uncertain Significance. Advanced modeling of protein sequence and biophysical properties (such as structural, functional, and spatial information, amino acid conservation, physicochemical variation, residue mobility, and thermodynamic stability) performed at Invitae indicates that this missense variant is expected to disrupt PMS2 protein function. This variant has not been reported in the literature in individuals affected with PMS2-related conditions. This variant is not present in population databases (gnomAD no frequency). This sequence change replaces leucine, which is neutral and non-polar, with methionine, which is neutral and non-polar, at codon 135 of the PMS2 protein (p.Leu135Met).

NM_000535.7(PMS2):c.403C>A (p.Leu135Met)

Gene: PMS2 (PMS1 homolog 2, mismatch repair system component; minus strand). Cytogenetic location: 7p22.1.
Variant type: single nucleotide variant.
Coding change: c.403C>A on transcript NM_000535.7 (MANE Select); coding-DNA position 403, C replaced by A.
Protein change: p.Leu135Met; replaces leucine 135 with methionine.
Molecular consequence: missense variant. On other transcripts: 5 prime UTR variant (29), non-coding transcript variant (1), intron variant (1).
Genome position (GRCh38, 1-based): chr7:6,002,587, G>T on the plus strand (C>A on the coding strand, the complement: PMS2 is on the minus strand). VCF-style: chr7-6002587-G-T. GRCh37 (hg19) VCF-style: chr7-6042218-G-T.
Other names: c.-3C>A (NM_001018040.1, NM_001322003.2, NM_001322004.2 and 25 more transcripts); c.403C>A, p.Leu135Met (NM_001322006.2, NM_001322014.2, NM_001406869.1 and 8 more transcripts); c.85C>A, p.Leu29Met (NM_001322007.2, NM_001322008.2, NM_001406876.1 and 4 more transcripts); c.-482C>A (NM_001322011.2, NM_001322012.2); c.94C>A, p.Leu32Met (NM_001322015.2, NM_001406875.1, NM_001406877.1 and 6 more transcripts); c.589C>A, p.Leu197Met (NM_001406866.1); c.427C>A, p.Leu143Met (NM_001406868.1); c.250+1385C>A (NM_001406885.1); short protein forms L135M, L143M, L29M, L32M, L197M.
Identifiers: ClinVar variation 2740823 (VCV002740823.3), dbSNP rs876658423, ClinGen allele CA366744423.